The following is an entry in ClinVar:

NM_004656.4(BAP1):c.240G>A (p.Met80Ile)

Gene: BAP1 (BRCA1 associated deubiquitinase 1; minus strand). Cytogenetic location: 3p21.1.
Variant type: single nucleotide variant.
Coding change: c.240G>A on transcript NM_004656.4 (MANE Select); coding-DNA position 240, G replaced by A.
Protein change: p.Met80Ile; replaces methionine 80 with isoleucine.
Molecular consequence: missense variant.
Genome position (GRCh38, 1-based): chr3:52,408,489, C>T on the plus strand (G>A on the coding strand, the complement: BAP1 is on the minus strand). VCF-style: chr3-52408489-C-T. GRCh37 (hg19) VCF-style: chr3-52442505-C-T.
Other names: c.240G>A (NM_004656.2); short protein forms M80I.
Identifiers: ClinVar variation 1355048 (VCV001355048.11), dbSNP rs755878197, ClinGen allele CA2437154.
Genomic context (GRCh38, chr3:52,408,489, plus strand): 5'-ATGGCAGCATCCCACCCTCCAAACAAAGCACAGAGTCCAGCAGACCTGGTGGGCAAAGAA[C>T]ATGTTATTCACAATATCATCATCAATCACGGACGTATCATCCACCAAGGTAGAGACCTTT-3'
Protein context (NP_004647.1, residues 70-90): SVIDDDIVNN[Met80Ile]FFAHQLIPNS

ClinVar aggregate classification (germline): Uncertain significance. Review status: criteria provided, multiple submitters, no conflicts (2 of 4 stars). 3 submissions from 3 submitters: Uncertain significance (3). Last evaluated 2025-12-13.

Conditions:
Hereditary cancer-predisposing syndrome. Also called: Neoplastic Syndromes, Hereditary; Tumor predisposition; Hereditary neoplastic syndrome; Hereditary Cancer Syndrome. Identifiers: Orphanet 140162, MedGen C0027672, MeSH D009386, MONDO:0015356.
BAP1-related tumor predisposition syndrome (TPDS1). Also called: COMMON Syndrome; Tumor susceptibility linked to germline BAP1 mutations; TUMOR PREDISPOSITION SYNDROME 1; BAP1 tumor predisposition syndrome. Identifiers: Orphanet 289539, MedGen C3280492, MONDO:0013692, OMIM 614327.

Allele frequency attached by ClinVar (database versions not stated): gnomAD exomes below 0.00001; ExAC 0.00001.
gnomAD v4.1: 5 of 1,611,870 alleles (0.00031%); highest among the groups gnomAD compares: South Asian, 0.0055%; no homozygotes.

Submissions (3):

Ambry Genetics
Classification: Uncertain significance for Hereditary cancer-predisposing syndrome. Last evaluated: 2025-12-13. Review status: criteria provided, single submitter. Criteria: Ambry Variant Classification Scheme 2023. Collection method: clinical testing. Allele origin: germline.
Comment: The p.M80I variant (also known as c.240G>A), located in coding exon 4 of the BAP1 gene, results from a G to A substitution at nucleotide position 240. The methionine at codon 80 is replaced by isoleucine, an amino acid with highly similar properties. This amino acid position is conserved. In addition, the in silico prediction for this alteration is inconclusive. Based on the available evidence, the clinical significance of this variant remains unclear.

Center for Genomic Medicine, Rigshospitalet, Copenhagen University Hospital
Classification: Uncertain significance. Last evaluated: 2025-03-04. Review status: criteria provided, single submitter. Criteria: ACMG Guidelines, 2015. Collection method: clinical testing. Allele origin: germline.

Labcorp Genetics (formerly Invitae), Labcorp
Classification: Uncertain significance for BAP1-related tumor predisposition syndrome. Last evaluated: 2024-12-11. Review status: criteria provided, single submitter. Criteria: Invitae Variant Classification Sherloc (09022015). Collection method: clinical testing. Allele origin: germline.
Comment: This sequence change replaces methionine, which is neutral and non-polar, with isoleucine, which is neutral and non-polar, at codon 80 of the BAP1 protein (p.Met80Ile). This variant is present in population databases (rs755878197, gnomAD 0.003%). This variant has not been reported in the literature in individuals affected with BAP1-related conditions. ClinVar contains an entry for this variant (Variation ID: 1355048). Invitae Evidence Modeling of protein sequence and biophysical properties (such as structural, functional, and spatial information, amino acid conservation, physicochemical variation, residue mobility, and thermodynamic stability) indicates that this missense variant is not expected to disrupt BAP1 protein function with a negative predictive value of 80%. In summary, the available evidence is currently insufficient to determine the role of this variant in disease. Therefore, it has been classified as a Variant of Uncertain Significance.